The following is an entry in ClinVar:

ClinVar aggregate classification (germline): Uncertain significance (1 of 4 stars; one submission).

Conditions:
Autosomal dominant polycystic kidney disease. Identifiers: Orphanet 730, MedGen C0085413, MONDO:0004691.

Submission:

Labcorp Genetics (formerly Invitae), Labcorp
Classification: Uncertain significance for Autosomal dominant polycystic kidney disease. Last evaluated: 2025-12-06. Review status: criteria provided, single submitter. Criteria: Invitae Variant Classification Sherloc (09022015). Collection method: clinical testing. Allele origin: germline.
Comment: This sequence change affects codon 132 of the PKD2 mRNA. It is a 'silent' change, meaning that it does not change the encoded amino acid sequence of the PKD2 protein. This variant is not present in population databases (gnomAD no frequency). This variant has not been reported in the literature in individuals affected with PKD2-related conditions. Algorithms developed to predict the effect of sequence changes on RNA splicing suggest that this variant may create or strengthen a splice site. In summary, the available evidence is currently insufficient to determine the role of this variant in disease. Therefore, it has been classified as a Variant of Uncertain Significance.

NM_000297.4(PKD2):c.396C>T (p.Ser132=)

Genes: PKD2 (polycystin 2, transient receptor potential cation channel; plus strand), LOC129992813 (ATAC-STARR-seq lymphoblastoid silent region 15559; plus strand). Cytogenetic location: 4q22.1.
Variant type: single nucleotide variant.
Coding change: c.396C>T on transcript NM_000297.4 (MANE Select); coding-DNA position 396, C replaced by T.
Protein change: p.Ser132=; no amino-acid change (serine 132 retained).
Molecular consequence: synonymous variant. On other transcripts: non-coding transcript variant (1).
Genome position (GRCh38, 1-based): chr4:88,008,129, C>T. VCF-style: chr4-88008129-C-T. GRCh37 (hg19) VCF-style: chr4-88929281-C-T.
Other names: c.396C>T, p.Ser132= (NM_001440544.1).
Identifiers: ClinVar variation 4737497 (VCV004737497.1).
Genomic context (GRCh38, chr4:88,008,129, plus strand): 5'-GGAGATGGACGTAGAGTGGCGCCCGGGCAGCCGGAGGTCGGCCGCCTCCTCGGCCGTGAG[C>T]TCCGTGGGCGCGCGGAGCCGGGGGCTTGGGGGCTACCACGGCGCGGGCCACCCGAGCGGG-3'
Protein context (NP_000288.1, residues 122-142): SRRSAASSAV[Ser132=]SVGARSRGLG